The following is an entry in ClinVar:

NM_001297.5(CNGB1):c.2317T>C (p.Phe773Leu)

Gene: CNGB1 (cyclic nucleotide gated channel subunit beta 1; minus strand). Cytogenetic location: 16q21.
Variant type: single nucleotide variant.
Coding change: c.2317T>C on transcript NM_001297.5 (MANE Select); coding-DNA position 2317, T replaced by C.
Protein change: p.Phe773Leu; replaces phenylalanine 773 with leucine.
Molecular consequence: missense variant.
Genome position (GRCh38, 1-based): chr16:57,912,982, A>G on the plus strand (T>C on the coding strand, the complement: CNGB1 is on the minus strand). VCF-style: chr16-57912982-A-G. GRCh37 (hg19) VCF-style: chr16-57946886-A-G.
Other names: c.2299T>C, p.Phe767Leu (NM_001286130.2); short protein forms F773L, F767L.
Identifiers: ClinVar variation 1524090 (VCV001524090.8), dbSNP rs2149362738, ClinGen allele CA396061695.

ClinVar aggregate classification (germline): Uncertain significance (1 of 4 stars; one submission).

gnomAD v4.1: 1 of 1,613,982 alleles (0.000062%); highest among the groups gnomAD compares: South Asian, 0.0011%; no homozygotes.

Submission:

Labcorp Genetics (formerly Invitae), Labcorp
Classification: Uncertain significance. Last evaluated: 2021-04-08. Review status: criteria provided, single submitter. Criteria: Invitae Variant Classification Sherloc (09022015). Collection method: clinical testing. Allele origin: germline.
Comment: This sequence change replaces phenylalanine with leucine at codon 773 of the CNGB1 protein (p.Phe773Leu). The phenylalanine residue is moderately conserved and there is a small physicochemical difference between phenylalanine and leucine. In summary, the available evidence is currently insufficient to determine the role of this variant in disease. Therefore, it has been classified as a Variant of Uncertain Significance. Advanced modeling of protein sequence and biophysical properties (such as structural, functional, and spatial information, amino acid conservation, physicochemical variation, residue mobility, and thermodynamic stability) performed at Invitae indicates that this missense variant is not expected to disrupt CNGB1 protein function. This variant has not been reported in the literature in individuals with CNGB1-related conditions. This variant is not present in population databases (ExAC no frequency).